The following is an entry in ClinVar:

NM_001330078.2(NRXN1):c.-906A>C

Gene: NRXN1 (neurexin 1; minus strand). Cytogenetic location: 2p16.3.
Variant type: single nucleotide variant.
Coding change: c.-906A>C on transcript NM_001330078.2 (MANE Select); 906 bases upstream of the start codon, A replaced by C.
Molecular consequence: 5 prime UTR variant.
Genome position (GRCh38, 1-based): chr2:51,029,179, T>G on the plus strand (A>C on the coding strand, the complement: NRXN1 is on the minus strand). VCF-style: chr2-51029179-T-G. GRCh37 (hg19) VCF-style: chr2-51256317-T-G.
Other names: c.-906A>C (NM_001135659.3, NM_001330077.2, NM_001330079.2 and 15 more transcripts).
Identifiers: ClinVar variation 387841 (VCV000387841.1), dbSNP rs1057522918, ClinGen allele CA16604366.

ClinVar aggregate classification (germline): Likely benign (1 of 4 stars; one submission).

Submission:

GeneDx
Classification: Likely benign. Last evaluated: 2016-07-25. Review status: criteria provided, single submitter. Criteria: GeneDx Variant Classification (06012015). Collection method: clinical testing. Allele origin: germline. Affected: yes.
Comment: This variant is considered likely benign or benign based on one or more of the following criteria: it is a conservative change, it occurs at a poorly conserved position in the protein, it is predicted to be benign by multiple in silico algorithms, and/or has population frequency not consistent with disease.